The following is an entry in ClinVar:

NM_004369.4(COL6A3):c.4924T>C (p.Phe1642Leu)

Gene: COL6A3 (collagen type VI alpha 3 chain; minus strand). Cytogenetic location: 2q37.3.
Variant type: single nucleotide variant.
Coding change: c.4924T>C on transcript NM_004369.4 (MANE Select); coding-DNA position 4924, T replaced by C.
Protein change: p.Phe1642Leu; replaces phenylalanine 1642 with leucine.
Molecular consequence: missense variant.
Genome position (GRCh38, 1-based): chr2:237,367,263, A>G on the plus strand (T>C on the coding strand, the complement: COL6A3 is on the minus strand). VCF-style: chr2-237367263-A-G. GRCh37 (hg19) VCF-style: chr2-238275906-A-G.
Other names: c.3103T>C, p.Phe1035Leu (NM_057166.5); c.4306T>C, p.Phe1436Leu (NM_057167.4); short protein forms F1035L, F1436L, F1642L.
Identifiers: ClinVar variation 2060233 (VCV002060233.4), dbSNP rs753567509, ClinGen allele CA2188769.

ClinVar aggregate classification (germline): Uncertain significance (1 of 4 stars; one submission).

Conditions:
Bethlem myopathy 1A. Also called: MYOPATHY, BENIGN CONGENITAL, WITH CONTRACTURES; Bethlem Muscular Dystrophy; Bethlem myopathy 1. Identifiers: Orphanet 610, MedGen CN029274, MONDO:0024530, OMIM 158810.

Allele frequency attached by ClinVar (database versions not stated): gnomAD exomes below 0.00001; ExAC 0.00001; gnomAD 0.00001; TOPMed 0.00002.

Submission:

Labcorp Genetics (formerly Invitae), Labcorp
Classification: Uncertain significance for Bethlem myopathy 1A. Last evaluated: 2022-08-21. Review status: criteria provided, single submitter. Criteria: Invitae Variant Classification Sherloc (09022015). Collection method: clinical testing. Allele origin: germline.
Comment: This variant has not been reported in the literature in individuals affected with COL6A3-related conditions. This variant is present in population databases (rs753567509, gnomAD 0.007%). Advanced modeling of protein sequence and biophysical properties (such as structural, functional, and spatial information, amino acid conservation, physicochemical variation, residue mobility, and thermodynamic stability) performed at Invitae indicates that this missense variant is expected to disrupt COL6A3 protein function. In summary, the available evidence is currently insufficient to determine the role of this variant in disease. Therefore, it has been classified as a Variant of Uncertain Significance. This sequence change replaces phenylalanine, which is neutral and non-polar, with leucine, which is neutral and non-polar, at codon 1642 of the COL6A3 protein (p.Phe1642Leu).